The following is an entry in ClinVar:

ClinVar aggregate classification (germline): Uncertain significance (1 of 4 stars; one submission).

Submission:

Labcorp Genetics (formerly Invitae), Labcorp
Classification: Uncertain significance. Last evaluated: 2025-05-16. Review status: criteria provided, single submitter. Criteria: Invitae Variant Classification Sherloc (09022015). Collection method: clinical testing. Allele origin: germline.
Comment: This sequence change replaces serine, which is neutral and polar, with arginine, which is basic and polar, at codon 529 of the KRT3 protein (p.Ser529Arg). This variant is not present in population databases (gnomAD no frequency). This variant has not been reported in the literature in individuals affected with KRT3-related conditions. Invitae Evidence Modeling of protein sequence and biophysical properties (such as structural, functional, and spatial information, amino acid conservation, physicochemical variation, residue mobility, and thermodynamic stability) indicates that this missense variant is not expected to disrupt KRT3 protein function with a negative predictive value of 80%. In summary, the available evidence is currently insufficient to determine the role of this variant in disease. Therefore, it has been classified as a Variant of Uncertain Significance.

NM_057088.3(KRT3):c.1585A>C (p.Ser529Arg)

Gene: KRT3 (keratin 3; minus strand). Cytogenetic location: 12q13.13.
Variant type: single nucleotide variant.
Coding change: c.1585A>C on transcript NM_057088.3 (MANE Select); coding-DNA position 1585, A replaced by C.
Protein change: p.Ser529Arg; replaces serine 529 with arginine.
Molecular consequence: missense variant.
Genome position (GRCh38, 1-based): chr12:52,790,344, T>G on the plus strand (A>C on the coding strand, the complement: KRT3 is on the minus strand). VCF-style: chr12-52790344-T-G. GRCh37 (hg19) VCF-style: chr12-53184128-T-G.
Other names: short protein forms S529R.
Identifiers: ClinVar variation 4761256 (VCV004761256.1).